The following is an entry in ClinVar:

NM_006329.4(FBLN5):c.945T>C (p.Ile315=)

Gene: FBLN5 (fibulin 5; minus strand). Cytogenetic location: 14q32.12.
Variant type: single nucleotide variant.
Coding change: c.945T>C on transcript NM_006329.4 (MANE Select); coding-DNA position 945, T replaced by C.
Protein change: p.Ile315=; no amino-acid change (isoleucine 315 retained).
Molecular consequence: synonymous variant.
Genome position (GRCh38, 1-based): chr14:91,881,336, A>G on the plus strand (T>C on the coding strand, the complement: FBLN5 is on the minus strand). VCF-style: chr14-91881336-A-G. GRCh37 (hg19) VCF-style: chr14-92347680-A-G.
Other names: p.Ile315=; c.1068T>C, p.Ile356= (NM_001384158.1); c.996T>C, p.Ile332= (NM_001384159.1); c.945T>C, p.Ile315= (NM_001384160.1); c.777T>C, p.Ile259= (NM_001384161.1, NM_001384162.1).
Identifiers: ClinVar variation 163450 (VCV000163450.33), dbSNP rs2430347, ClinGen allele CA176099.

ClinVar aggregate classification (germline): Benign. Review status: criteria provided, multiple submitters, no conflicts (2 of 4 stars). 18 submissions from 15 submitters: Benign (14). 4 of the submissions do not count toward it. Last evaluated 2026-02-04.

Conditions:
Cutis laxa. Identifiers: Orphanet 209, MedGen C0010495, MONDO:0016175, HP:0000973.
Cutis laxa, autosomal dominant 2 (ADCL2). Identifiers: Orphanet 90348, MedGen C3280794, MONDO:0013751, OMIM 614434.
Cutis laxa, autosomal recessive, type 1A (ARCL1A). Also called: Autosomal recessive cutis laxa type IA. Identifiers: Orphanet 90349, MedGen C5848058, MONDO:0009052, OMIM 219100.
Macular degeneration, age-related, 3 (ARMD3). Identifiers: Orphanet 280598, MedGen C1837187, MONDO:0012145, OMIM 608895.

Allele frequency attached by ClinVar (database versions not stated): ESP Exome Variant Server 0.75680; ExAC 0.76090; gnomAD 0.76291 and 0.76332; gnomAD exomes 0.76372; TOPMed 0.77051; 1000 Genomes Project 30x 0.78342; 1000 Genomes Project 0.78494.
gnomAD v4.1: 1,201,871 of 1,613,648 alleles (74%); highest among the groups gnomAD compares: East Asian, 86%; 449,305 homozygotes.

Submissions (18):

Labcorp Genetics (formerly Invitae), Labcorp
Classification: Benign. Last evaluated: 2026-02-04. Review status: criteria provided, single submitter. Criteria: Invitae Variant Classification Sherloc (09022015). Collection method: clinical testing. Allele origin: germline.

Molecular Diagnostic Laboratory for Inherited Cardiovascular Disease, Montreal Heart Institute
Classification: Benign. Last evaluated: 2025-04-09. Review status: criteria provided, single submitter. Criteria: ACMG Guidelines, 2015. Collection method: clinical testing. Allele origin: germline. Affected: no.

Blueprint Genetics
Classification: Benign. Last evaluated: 2024-11-27. Review status: criteria provided, single submitter. Criteria: ACMG Guidelines, 2015. Collection method: clinical testing. Allele origin: germline.

Genome-Nilou Lab
Classification: Benign for Cutis laxa, autosomal dominant 2. Last evaluated: 2021-08-10. Review status: criteria provided, single submitter. Criteria: ACMG Guidelines, 2015. Collection method: clinical testing. Allele origin: germline. Affected: no.

Genome-Nilou Lab
Classification: Benign for Cutis laxa, autosomal recessive, type 1A. Last evaluated: 2021-08-10. Review status: criteria provided, single submitter. Criteria: ACMG Guidelines, 2015. Collection method: clinical testing. Allele origin: germline. Affected: no.

Genome-Nilou Lab
Classification: Benign for Macular degeneration, age-related, 3. Last evaluated: 2021-08-10. Review status: criteria provided, single submitter. Criteria: ACMG Guidelines, 2015. Collection method: clinical testing. Allele origin: germline. Affected: no.

Illumina Laboratory Services, Illumina
Classification: Benign for Macular degeneration, age-related, 3. Last evaluated: 2018-01-13. Review status: criteria provided, single submitter. Criteria: ICSL Variant Classification Criteria 13 December 2019. Collection method: clinical testing. Allele origin: germline.
Comment: This variant was observed in the ICSL laboratory as part of a predisposition screen in an ostensibly healthy population. It had not been previously curated by ICSL or reported in the Human Gene Mutation Database (HGMD: prior to June 1st, 2018), and was therefore a candidate for classification through an automated scoring system. Utilizing variant allele frequency, disease prevalence and penetrance estimates, and inheritance mode, an automated score was calculated to assess if this variant is too frequent to cause the disease. Based on the score and internal cut-off values, a variant classified as benign is not then subjected to further curation. The score for this variant resulted in a classification of benign for this disease.

Illumina Laboratory Services, Illumina
Classification: Benign for Cutis laxa. Last evaluated: 2018-01-13. Review status: criteria provided, single submitter. Criteria: ICSL Variant Classification Criteria 13 December 2019. Collection method: clinical testing. Allele origin: germline.
Comment: the same text as in the submission from Illumina Laboratory Services, Illumina above.

GeneDx
Classification: Benign. Last evaluated: 2016-09-29. Review status: criteria provided, single submitter. Criteria: GeneDx Variant Classification (06012015). Collection method: clinical testing. Allele origin: germline. Affected: yes.
Comment: This variant is considered likely benign or benign based on one or more of the following criteria: it is a conservative change, it occurs at a poorly conserved position in the protein, it is predicted to be benign by multiple in silico algorithms, and/or has population frequency not consistent with disease.

Eurofins Ntd Llc (ga)
Classification: Benign. Last evaluated: 2015-09-22. Review status: criteria provided, single submitter. Criteria: EGL Classification Definitions 2015. Collection method: clinical testing. Allele origin: germline. Observed: 2 variant alleles, 2 heterozygotes.

Mayo Clinic Laboratories, Mayo Clinic
Classification: Benign. Last evaluated: 2015-08-24. Review status: criteria provided, single submitter. Criteria: ACMG Guidelines, 2015. Collection method: clinical testing. Allele origin: germline. Observed: 1,978 variant alleles.

Laboratory for Molecular Medicine, Mass General Brigham Personalized Medicine
Classification: Benign. Last evaluated: 2013-02-21. Review status: criteria provided, single submitter. Criteria: LMM Criteria. Collection method: clinical testing. Allele origin: germline. Observed: 69 variant alleles.
Comment: Ile315Ile in exon 9 of FBLN5: This variant is not expected to have clinical sign ificance because it does not alter an amino acid residue and is not located with in the splice consensus sequence. It has been identified in 25.9% (2226/8600) of European American chromosomes from a broad population by the NHLBI Exome Sequen cing Project (dbSNP rs2430347).

Breakthrough Genomics
Classification: Benign. Review status: criteria provided, single submitter. Criteria: ACMG Guidelines, 2015. Collection method: not provided. Allele origin: germline. Inheritance: Autosomal recessive inheritance. Affected: yes.

PreventionGenetics, part of Exact Sciences
Classification: Benign. Review status: criteria provided, single submitter. Criteria: ACMG Guidelines, 2015. Collection method: clinical testing. Allele origin: germline.

Clinical Genetics, Academic Medical Center
Classification: Benign. Review status: no assertion criteria provided. Collection method: clinical testing. Allele origin: germline. Affected: yes. Study: VKGL Data-share Consensus. Not counted in ClinVar's aggregate classification.

Diagnostic Laboratory, Department of Genetics, University Medical Center Groningen
Classification: Benign. Review status: no assertion criteria provided. Collection method: clinical testing. Allele origin: germline. Affected: yes. Study: VKGL Data-share Consensus. Not counted in ClinVar's aggregate classification.

Genome Diagnostics Laboratory, Amsterdam University Medical Center
Classification: Benign. Review status: no assertion criteria provided. Collection method: clinical testing. Allele origin: germline. Affected: yes. Study: VKGL Data-share Consensus. Not counted in ClinVar's aggregate classification.

Joint Genome Diagnostic Labs from Nijmegen and Maastricht, Radboudumc and MUMC+
Classification: Benign. Review status: no assertion criteria provided. Collection method: clinical testing. Allele origin: germline. Affected: yes. Study: VKGL Data-share Consensus. Not counted in ClinVar's aggregate classification.